The following is an entry in ClinVar:

ClinVar aggregate classification (germline): Likely benign (0 of 4 stars; one submission).

Conditions:
PLXNA3-related disorder. Also called: PLXNA3-related condition.

Allele frequency attached by ClinVar (database versions not stated): TOPMed 0.00004; gnomAD 0.00006; gnomAD exomes 0.00006; ExAC 0.00007; ESP Exome Variant Server 0.00009; 1000 Genomes Project 30x 0.00021; 1000 Genomes Project 0.00026.
gnomAD v4.1: 74 of 1,209,233 alleles (0.0061%); highest among the groups gnomAD compares: East Asian, 0.053%; 2 homozygotes.

Submission:

PreventionGenetics, part of Exact Sciences
Classification: Likely benign for PLXNA3-related condition. Last evaluated: 2022-02-24. Review status: no assertion criteria provided. Collection method: clinical testing. Allele origin: germline.
Comment: This variant is classified as likely benign based on ACMG/AMP sequence variant interpretation guidelines (Richards et al. 2015 PMID: 25741868, with internal and published modifications).

NM_017514.5(PLXNA3):c.2682C>T (p.Ile894=)

Gene: PLXNA3 (plexin A3; plus strand). Cytogenetic location: Xq28.
Variant type: single nucleotide variant.
Coding change: c.2682C>T on transcript NM_017514.5 (MANE Select); coding-DNA position 2682, C replaced by T.
Protein change: p.Ile894=; no amino-acid change (isoleucine 894 retained).
Molecular consequence: synonymous variant.
Genome position (GRCh38, 1-based): chrX:154,466,153, C>T. VCF-style: chrX-154466153-C-T. GRCh37 (hg19) VCF-style: chrX-153694496-C-T.
Identifiers: ClinVar variation 3030569 (VCV003030569.2), dbSNP rs200721928, ClinGen allele CA10564453.